The following is an entry in ClinVar:

NM_001363711.2(DUOX2):c.4454G>A (p.Arg1485His)

Gene: DUOX2 (dual oxidase 2; minus strand). Cytogenetic location: 15q21.1.
Variant type: single nucleotide variant.
Coding change: c.4454G>A on transcript NM_001363711.2 (MANE Select); coding-DNA position 4454, G replaced by A.
Protein change: p.Arg1485His; replaces arginine 1485 with histidine.
Molecular consequence: missense variant.
Genome position (GRCh38, 1-based): chr15:45,094,633, C>T on the plus strand (G>A on the coding strand, the complement: DUOX2 is on the minus strand). VCF-style: chr15-45094633-C-T. GRCh37 (hg19) VCF-style: chr15-45386831-C-T.
Other names: c.4454G>A, p.Arg1485His (NM_014080.5); short protein forms R1485H.
Identifiers: ClinVar variation 1350469 (VCV001350469.5), dbSNP rs898561291, ClinGen allele CA270116676.
Genomic context (GRCh38, chr15:45,094,633, plus strand): 5'-ACCTCCTGCAGGGAGTTGAAGAAGGGCTCGAAGGGGGGACGGCCAAAGTGGGTGATGGAG[C>T]GCAGGCCCGTGAACAGACTCCGGTTCAGCACTTTCTGGAAGTGCCGCTCGCAGATGTACT-3'
Protein context (NP_001350640.1, residues 1475-1495): VLNRSLFTGL[Arg1485His]SITHFGRPPF

ClinVar aggregate classification (germline): Uncertain significance (1 of 4 stars; one submission).

Allele frequency attached by ClinVar (database versions not stated): TOPMed below 0.00001; gnomAD 0.00001; gnomAD exomes 0.00001.

Submission:

Labcorp Genetics (formerly Invitae), Labcorp
Classification: Uncertain significance. Last evaluated: 2024-03-01. Review status: criteria provided, single submitter. Criteria: Invitae Variant Classification Sherloc (09022015). Collection method: clinical testing. Allele origin: germline.
Comment: This sequence change replaces arginine, which is basic and polar, with histidine, which is basic and polar, at codon 1485 of the DUOX2 protein (p.Arg1485His). This variant is present in population databases (no rsID available, gnomAD 0.02%). This missense change has been observed in individual(s) with inflammatory bowel disease (PMID: 33651715). ClinVar contains an entry for this variant (Variation ID: 1350469). Advanced modeling of protein sequence and biophysical properties (such as structural, functional, and spatial information, amino acid conservation, physicochemical variation, residue mobility, and thermodynamic stability) performed at Invitae indicates that this missense variant is not expected to disrupt DUOX2 protein function with a negative predictive value of 95%. In summary, the available evidence is currently insufficient to determine the role of this variant in disease. Therefore, it has been classified as a Variant of Uncertain Significance.

Literature cited by the submitters: PubMed 33651715.